The following is an entry in ClinVar:

ClinVar aggregate classification (germline): Uncertain significance (1 of 4 stars; one submission).

Conditions:
Congenital contractural arachnodactyly (CCA). Also called: BEALS SYNDROME; Arthrogryposis, distal, type 9; Beals-Hecht syndrome. Identifiers: Orphanet 115, MedGen C0220668, MONDO:0007363, OMIM 121050.

gnomAD v4.1: 1 of 1,613,936 alleles (0.000062%); highest among the groups gnomAD compares: Non-Finnish European, 0.000085%; no homozygotes.

Submission:

Labcorp Genetics (formerly Invitae), Labcorp
Classification: Uncertain significance for Congenital contractural arachnodactyly. Last evaluated: 2025-12-06. Review status: criteria provided, single submitter. Criteria: Invitae Variant Classification Sherloc (09022015). Collection method: clinical testing. Allele origin: germline.
Comment: This sequence change replaces glycine, which is neutral and non-polar, with glutamic acid, which is acidic and polar, at codon 2233 of the FBN2 protein (p.Gly2233Glu). This variant is not present in population databases (gnomAD no frequency). This variant has not been reported in the literature in individuals affected with FBN2-related conditions. Invitae Evidence Modeling of protein sequence and biophysical properties (such as structural, functional, and spatial information, amino acid conservation, physicochemical variation, residue mobility, and thermodynamic stability) indicates that this missense variant is expected to disrupt FBN2 protein function with a positive predictive value of 80%. In summary, the available evidence is currently insufficient to determine the role of this variant in disease. Therefore, it has been classified as a Variant of Uncertain Significance.

NM_001999.4(FBN2):c.6698G>A (p.Gly2233Glu)

Gene: FBN2 (fibrillin 2; minus strand). Cytogenetic location: 5q23.3.
Variant type: single nucleotide variant.
Coding change: c.6698G>A on transcript NM_001999.4 (MANE Select); coding-DNA position 6698, G replaced by A.
Protein change: p.Gly2233Glu; replaces glycine 2233 with glutamic acid.
Molecular consequence: missense variant.
Genome position (GRCh38, 1-based): chr5:128,288,497, C>T on the plus strand (G>A on the coding strand, the complement: FBN2 is on the minus strand). VCF-style: chr5-128288497-C-T. GRCh37 (hg19) VCF-style: chr5-127624189-C-T.
Other names: short protein forms G2233E.
Identifiers: ClinVar variation 4782025 (VCV004782025.1).